The following is an entry in ClinVar:

NM_001134407.3(GRIN2A):c.1815A>G (p.Ile605Met)

Gene: GRIN2A (glutamate ionotropic receptor NMDA type subunit 2A; minus strand). Cytogenetic location: 16p13.2.
Variant type: single nucleotide variant.
Coding change: c.1815A>G on transcript NM_001134407.3 (MANE Select); coding-DNA position 1815, A replaced by G.
Protein change: p.Ile605Met; replaces isoleucine 605 with methionine.
Molecular consequence: missense variant.
Genome position (GRCh38, 1-based): chr16:9,829,615, T>C on the plus strand (A>G on the coding strand, the complement: GRIN2A is on the minus strand). VCF-style: chr16-9829615-T-C. GRCh37 (hg19) VCF-style: chr16-9923472-T-C.
Other names: c.1815A>G, p.Ile605Met (NM_000833.5, NM_001134408.2); short protein forms I605M.
Identifiers: ClinVar variation 1055491 (VCV001055491.9), dbSNP rs986690961, ClinGen allele CA278180081.
Genomic context (GRCh38, chr16:9,829,615, plus strand): 5'-GGTCCCTTTAGGATTCTGGACAGGCACGGAGTTATTGAACACCAGGCCCCAAAGAAGCCA[T>C]ATAGCTTTTCCAATTGTAAAAGAAGGCCCATGGGGTGCTGCAGAAGATGAAAAGGACATT-3'
Protein context (NP_001127879.1, residues 595-615): HGPSFTIGKA[Ile605Met]WLLWGLVFNN

ClinVar aggregate classification (germline): Uncertain significance (1 of 4 stars; one submission).

Conditions:
Landau-Kleffner syndrome (FESD). Also called: APHASIA, ACQUIRED, WITH EPILEPSY; EPILEPSY, FOCAL, WITH SPEECH DISORDER AND WITH OR WITHOUT MENTAL RETARDATION. Identifiers: Orphanet 1945, Orphanet 725, Orphanet 98818, MedGen C0282512, MONDO:0009509, OMIM 245570.

Allele frequency attached by ClinVar (database versions not stated): gnomAD exomes below 0.00001; gnomAD 0.00001.
gnomAD v4.1: 6 of 1,613,776 alleles (0.00037%); highest among the groups gnomAD compares: Non-Finnish European, 0.00051%; no homozygotes.

Submission:

Labcorp Genetics (formerly Invitae), Labcorp
Classification: Uncertain significance for Landau-Kleffner syndrome. Last evaluated: 2025-09-24. Review status: criteria provided, single submitter. Criteria: Invitae Variant Classification Sherloc (09022015). Collection method: clinical testing. Allele origin: germline.
Comment: This sequence change replaces isoleucine, which is neutral and non-polar, with methionine, which is neutral and non-polar, at codon 605 of the GRIN2A protein (p.Ile605Met). The frequency data for this variant in the population databases is considered unreliable, as metrics indicate poor data quality at this position in the gnomAD database. This variant has not been reported in the literature in individuals affected with GRIN2A-related conditions. ClinVar contains an entry for this variant (Variation ID: 1055491). Invitae Evidence Modeling of protein sequence and biophysical properties (such as structural, functional, and spatial information, amino acid conservation, physicochemical variation, residue mobility, and thermodynamic stability) indicates that this missense variant is not expected to disrupt GRIN2A protein function with a negative predictive value of 80%. Experimental studies have shown that this missense change does not substantially affect GRIN2A function (PMID: 38307912). In summary, the available evidence is currently insufficient to determine the role of this variant in disease. Therefore, it has been classified as a Variant of Uncertain Significance.

Literature cited by the submitters: PubMed 38307912.